The following is an entry in ClinVar:

NM_006929.5(SKIC2):c.1528C>T (p.Arg510Ter)

Gene: SKIC2 (SKI2 subunit of superkiller complex; plus strand). Cytogenetic location: 6p21.33.
Variant type: single nucleotide variant.
Coding change: c.1528C>T on transcript NM_006929.5 (MANE Select); coding-DNA position 1528, C replaced by T.
Protein change: p.Arg510Ter; replaces arginine 510 with a stop codon.
Molecular consequence: nonsense.
Genome position (GRCh38, 1-based): chr6:31,963,537, C>T. VCF-style: chr6-31963537-C-T. GRCh37 (hg19) VCF-style: chr6-31931314-C-T.
Other names: short protein forms R510*.
Identifiers: ClinVar variation 2152010 (VCV002152010.4), dbSNP rs768131466, ClinGen allele CA3729500.

ClinVar aggregate classification (germline): Pathogenic (1 of 4 stars; one submission).

Allele frequency attached by ClinVar (database versions not stated): ExAC 0.00001; gnomAD 0.00001.
gnomAD v4.1: 23 of 1,593,470 alleles (0.0014%); highest among the groups gnomAD compares: East Asian, 0.0022%; no homozygotes.

Submission:

Labcorp Genetics (formerly Invitae), Labcorp
Classification: Pathogenic. Last evaluated: 2026-01-12. Review status: criteria provided, single submitter. Criteria: Invitae Variant Classification Sherloc (09022015). Collection method: clinical testing. Allele origin: germline.
Comment: This sequence change creates a premature translational stop signal (p.Arg510*) in the SKIV2L gene. It is expected to result in an absent or disrupted protein product. Loss-of-function variants in SKIV2L are known to be pathogenic (PMID: 22444670). This variant is present in population databases (rs768131466, gnomAD 0.006%). This premature translational stop signal has been observed in individual(s) with tricho-hepato-enteric syndrome (PMID: 29527791). ClinVar contains an entry for this variant (Variation ID: 2152010). For these reasons, this variant has been classified as Pathogenic.

Literature cited by the submitters: PubMed 22444670; PubMed 29527791.